The following is an entry in ClinVar:

NM_002439.5(MSH3):c.2190G>T (p.Leu730Phe)

Gene: MSH3 (mutS homolog 3; plus strand). Cytogenetic location: 5q14.1.
Variant type: single nucleotide variant.
Coding change: c.2190G>T on transcript NM_002439.5 (MANE Select); coding-DNA position 2190, G replaced by T.
Protein change: p.Leu730Phe; replaces leucine 730 with phenylalanine.
Molecular consequence: missense variant.
Genome position (GRCh38, 1-based): chr5:80,768,940, G>T. VCF-style: chr5-80768940-G-T. GRCh37 (hg19) VCF-style: chr5-80064759-G-T.
Other names: short protein forms L730F.
Identifiers: ClinVar variation 2961322 (VCV002961322.3), dbSNP rs2112885227, ClinGen allele CA360279572.

ClinVar aggregate classification (germline): Uncertain significance (1 of 4 stars; one submission).

Submission:

Labcorp Genetics (formerly Invitae), Labcorp
Classification: Uncertain significance. Last evaluated: 2023-12-22. Review status: criteria provided, single submitter. Criteria: Invitae Variant Classification Sherloc (09022015). Collection method: clinical testing. Allele origin: germline.
Comment: This sequence change replaces leucine, which is neutral and non-polar, with phenylalanine, which is neutral and non-polar, at codon 730 of the MSH3 protein (p.Leu730Phe). This variant is not present in population databases (gnomAD no frequency). This variant has not been reported in the literature in individuals affected with MSH3-related conditions. An algorithm developed to predict the effect of missense changes on protein structure and function (PolyPhen-2) suggests that this variant is likely to be disruptive. In summary, the available evidence is currently insufficient to determine the role of this variant in disease. Therefore, it has been classified as a Variant of Uncertain Significance.